The following is an entry in ClinVar:

NM_001110556.2(FLNA):c.1455G>A (p.Ala485=)

Gene: FLNA (filamin A; minus strand). Cytogenetic location: Xq28.
Variant type: single nucleotide variant.
Coding change: c.1455G>A on transcript NM_001110556.2 (MANE Select); coding-DNA position 1455, G replaced by A.
Protein change: p.Ala485=; no amino-acid change (alanine 485 retained).
Molecular consequence: synonymous variant.
Genome position (GRCh38, 1-based): chrX:154,365,461, C>T on the plus strand (G>A on the coding strand, the complement: FLNA is on the minus strand). VCF-style: chrX-154365461-C-T. GRCh37 (hg19) VCF-style: chrX-153593829-C-T.
Other names: p.Ala485=; c.1455G>A, p.Ala485= (NM_001456.4); c.1455G>A (NM_001110556.1).
Identifiers: ClinVar variation 590135 (VCV000590135.14), dbSNP rs782650242, ClinGen allele CA10561167.

ClinVar aggregate classification (germline): Conflicting classifications of pathogenicity. Review status: criteria provided, conflicting classifications (1 of 4 stars). 6 submissions from 6 submitters: Uncertain significance (1); Benign (1); Likely benign (3). 1 of the submissions does not count toward it. Last evaluated 2025-05-22.

Conditions:
Melnick-Needles syndrome (MNS). Also called: Melnick-Needles Syndrome (FLNA-MNS); MELNICK-NEEDLES OSTEODYSPLASTY; OSTEODYSPLASTY OF MELNICK AND NEEDLES. Identifiers: Orphanet 2484, MedGen C0025237, MONDO:0010650, OMIM 309350.
Heterotopia, periventricular, X-linked dominant (PVNH1). Also called: PERIVENTRICULAR NODULAR HETEROTOPIA 4; HETEROTOPIA, PERIVENTRICULAR, 1; PERIVENTRICULAR NODULAR HETEROTOPIA 1; X-linked periventricular heterotopia. Identifiers: Orphanet 2149, Orphanet 82004, MedGen C1848213, MONDO:0010233, OMIM 300049.
Oto-palato-digital syndrome, type II (OPD2). Also called: Otopalatodigital Syndrome, Type II; Otopalatodigital Syndrome Type 2 (FLNA-OPD2); FACIOPALATOOSSEOUS SYNDROME; OPD II SYNDROME. Identifiers: Orphanet 669, Orphanet 90652, MedGen C1844696, MONDO:0010571, OMIM 304120.
Frontometaphyseal dysplasia (FMD1). Identifiers: Orphanet 1826, MedGen C0265293, MONDO:0015942.
FLNA-related disorder.
Familial thoracic aortic aneurysm and aortic dissection (TAAD). Also called: Thoracic aortic aneurysms and dissections. Identifiers: Orphanet 91387, MedGen C4707243, MONDO:0019625.

Allele frequency attached by ClinVar (database versions not stated): gnomAD 0.00001; TOPMed 0.00002; ExAC 0.00004; gnomAD exomes 0.00005.
gnomAD v4.1: 21 of 1,210,329 alleles (0.0017%); highest among the groups gnomAD compares: Admixed American, 0.02%; no homozygotes.

Submissions (6):

GeneDx
Classification: Uncertain significance. Last evaluated: 2025-05-22. Review status: criteria provided, single submitter. Criteria: GeneDx Variant Classification Process June 2021. Collection method: clinical testing. Allele origin: germline.
Comment: Has not been previously published as pathogenic or benign to our knowledge; In silico analysis suggests this variant may impact gene splicing. In the absence of RNA/functional studies, the actual effect of this sequence change is unknown.

Mayo Clinic Laboratories, Mayo Clinic
Classification: Likely benign. Last evaluated: 2025-02-05. Review status: criteria provided, single submitter. Criteria: ACMG Guidelines, 2015. Collection method: clinical testing. Allele origin: germline. Observed: 1 variant allele.
Comment: BS2, BP4, BP7

Labcorp Genetics (formerly Invitae), Labcorp
Classification: Benign for Oto-palato-digital syndrome, type II; Heterotopia, periventricular, X-linked dominant; Frontometaphyseal dysplasia; Melnick-Needles syndrome. Last evaluated: 2024-03-02. Review status: criteria provided, single submitter. Criteria: Invitae Variant Classification Sherloc (09022015). Collection method: clinical testing. Allele origin: germline.

Women's Health and Genetics/Laboratory Corporation of America, LabCorp
Classification: Likely benign. Last evaluated: 2023-08-24. Review status: criteria provided, single submitter. Criteria: LabCorp Variant Classification Summary - May 2015. Collection method: clinical testing. Allele origin: germline.

Ambry Genetics
Classification: Likely benign for Familial thoracic aortic aneurysm and aortic dissection. Last evaluated: 2017-05-05. Review status: criteria provided, single submitter. Criteria: Ambry Variant Classification Scheme 2023. Collection method: clinical testing. Allele origin: germline.

PreventionGenetics, part of Exact Sciences
Classification: Likely benign for FLNA-related condition. Last evaluated: 2021-06-02. Review status: no assertion criteria provided. Collection method: clinical testing. Allele origin: germline. Not counted in ClinVar's aggregate classification.
Comment: This variant is classified as likely benign based on ACMG/AMP sequence variant interpretation guidelines (Richards et al. 2015 PMID: 25741868, with internal and published modifications).